The following is an entry in ClinVar:

ClinVar aggregate classification (germline): Uncertain significance. Review status: criteria provided, multiple submitters, no conflicts (2 of 4 stars). 3 submissions from 3 submitters: Uncertain significance (3). Last evaluated 2026-02-07.

Conditions:
Charcot-Marie-Tooth disease axonal type 2U. Also called: CHARCOT-MARIE-TOOTH NEUROPATHY, TYPE 2U; CHARCOT-MARIE-TOOTH DISEASE, AXONAL, AUTOSOMAL DOMINANT, TYPE 2U. Identifiers: Orphanet 397735, MedGen C4084821, MONDO:0014566, OMIM 616280.
Severe early-onset pulmonary alveolar proteinosis due to MARS deficiency. Also called: Interstitial lung and liver disease; PULMONARY ALVEOLAR PROTEINOSIS, REUNION ISLAND. Identifiers: Orphanet 440427, MedGen C4225400, MONDO:0014206, OMIM 615486.
MARS1-related disorder. Also called: MARS1-related condition.

Allele frequency attached by ClinVar (database versions not stated): gnomAD exomes below 0.00001 and 0.00001; TOPMed 0.00006.
gnomAD v4.1: 6 of 1,613,148 alleles (0.00037%); highest among the groups gnomAD compares: Admixed American, 0.005%; no homozygotes.

Submissions (3):

PreventionGenetics, part of Exact Sciences
Classification: Uncertain significance for MARS1-related condition. Last evaluated: 2026-02-07. Review status: criteria provided, single submitter. Criteria: ACMG Guidelines, 2015. Collection method: clinical testing. Allele origin: germline.
Comment: The MARS1 c.782C>T variant is predicted to result in the amino acid substitution p.Ala261Val. To our knowledge, this variant has not been reported in the literature. This variant is reported in 0.0058% of alleles in individuals of Latino descent in gnomAD. At this time, the clinical significance of this variant is uncertain due to the absence of conclusive functional and genetic evidence.

Labcorp Genetics (formerly Invitae), Labcorp
Classification: Uncertain significance for Charcot-Marie-Tooth disease axonal type 2U; Severe early-onset pulmonary alveolar proteinosis due to MARS deficiency. Last evaluated: 2024-10-13. Review status: criteria provided, single submitter. Criteria: Invitae Variant Classification Sherloc (09022015). Collection method: clinical testing. Allele origin: germline.
Comment: This sequence change replaces alanine, which is neutral and non-polar, with valine, which is neutral and non-polar, at codon 261 of the MARS protein (p.Ala261Val). This variant is present in population databases (rs769280509, gnomAD 0.006%). This variant has not been reported in the literature in individuals affected with MARS-related conditions. ClinVar contains an entry for this variant (Variation ID: 1681702). An algorithm developed to predict the effect of missense changes on protein structure and function (PolyPhen-2) suggests that this variant is likely to be tolerated. In summary, the available evidence is currently insufficient to determine the role of this variant in disease. Therefore, it has been classified as a Variant of Uncertain Significance.

Ambry Genetics
Classification: Uncertain significance. Last evaluated: 2021-06-21. Review status: criteria provided, single submitter. Criteria: Ambry Variant Classification Scheme 2023. Collection method: clinical testing. Allele origin: germline.
Comment: The p.A261V variant (also known as c.782C>T), located in coding exon 8 of the MARS gene, results from a C to T substitution at nucleotide position 782. The alanine at codon 261 is replaced by valine, an amino acid with similar properties. This amino acid position is conserved. In addition, this alteration is predicted to be tolerated by in silico analysis. Since supporting evidence is limited at this time, the clinical significance of this alteration remains unclear.

NM_004990.4(MARS1):c.782C>T (p.Ala261Val)

Gene: MARS1 (methionyl-tRNA synthetase 1; plus strand). Cytogenetic location: 12q13.3.
Variant type: single nucleotide variant.
Coding change: c.782C>T on transcript NM_004990.4 (MANE Select); coding-DNA position 782, C replaced by T.
Protein change: p.Ala261Val; replaces alanine 261 with valine.
Molecular consequence: missense variant.
Genome position (GRCh38, 1-based): chr12:57,498,168, C>T. VCF-style: chr12-57498168-C-T. GRCh37 (hg19) VCF-style: chr12-57891951-C-T.
Other names: short protein forms A261V.
Identifiers: ClinVar variation 1681702 (VCV001681702.9), dbSNP rs769280509, ClinGen allele CA237756591.